The following is an entry in ClinVar:

NM_004006.3(DMD):c.9938_9941dup (p.Asn3314delinsLysTer)

Gene: DMD (dystrophin; minus strand). Cytogenetic location: Xp21.2.
Variant type: Duplication.
Coding change: c.9938_9941dup on transcript NM_004006.3 (MANE Select); coding-DNA positions 9938 to 9941, 4 bases duplicated (GTAA; older notation c.9938_9941dupGTAA).
Protein change: p.Asn3314delinsLysTer.
Molecular consequence: nonsense.
Genome position (GRCh38, 1-based): chrX:31,182,771-31,182,774, TTAC duplicated on the plus strand (GTAA on the coding strand, the reverse complement: DMD is on the minus strand). VCF-style (leftmost placement, unchanged base first): chrX-31182770-G-GTTAC. GRCh37 (hg19) VCF-style: chrX-31200887-G-GTTAC.
Other names: c.9914_9917dup, p.Asn3306delinsLysTer (NM_000109.4); c.9926_9929dup, p.Asn3310delinsLysTer (NM_004009.3); c.2558_2561dup, p.Asn854delinsLysTer (NM_004020.4, NM_004021.3, NM_004022.3 and 2 more transcripts); c.9569_9572dup, p.Asn3191delinsLysTer (NM_004010.3); c.5915_5918dup, p.Asn1973delinsLysTer (NM_004011.4); c.5906_5909dup, p.Asn1970delinsLysTer (NM_004012.4); c.1751_1754dup, p.Asn585delinsLysTer (NM_004014.3); c.734_737dup, p.Asn246delinsLysTer (NM_004015.3, NM_004016.3, NM_004017.3 and 2 more transcripts).
Identifiers: ClinVar variation 217220 (VCV000217220.1), dbSNP rs863225018, ClinGen allele CA347586.

ClinVar aggregate classification (germline): Pathogenic (1 of 4 stars; one submission).

Conditions:
Duchenne muscular dystrophy (DMD). Also called: MUSCULAR DYSTROPHY, PSEUDOHYPERTROPHIC PROGRESSIVE, DUCHENNE TYPE; Duchenne Muscular Dystrophy (DMD). Identifiers: Orphanet 98896, MedGen C0013264, MONDO:0010679, OMIM 310200.

Submission:

Athena Diagnostics
Classification: Pathogenic for Duchenne muscular dystrophy. Last evaluated: 2014-11-17. Review status: criteria provided, single submitter. Criteria: Athena Diagnostics Criteria. Collection method: clinical testing. Allele origin: germline. Inheritance: X-linked recessive inheritance.
Comment: X-linked recessive inheritance

Literature cited by the submitters: PubMed 19937601.